The following is an entry in ClinVar:

ClinVar aggregate classification (germline): Conflicting classifications of pathogenicity. Review status: criteria provided, conflicting classifications (1 of 4 stars). 5 submissions from 5 submitters: Uncertain significance (2); Likely benign (3). Last evaluated 2026-02-05.

Conditions:
GLIS3-related disorder. Also called: GLIS3-related condition.
Neonatal diabetes mellitus with congenital hypothyroidism. Also called: NDH SYNDROME. Identifiers: Orphanet 79118, MedGen C1857775, MONDO:0012436, OMIM 610199.

Allele frequency attached by ClinVar (database versions not stated): 1000 Genomes Project 0.00100; gnomAD 0.00138 and 0.00147; 1000 Genomes Project 30x 0.00141; TOPMed 0.00172; ESP Exome Variant Server 0.00192.
gnomAD v4.1: 370 of 1,614,104 alleles (0.023%); highest among the groups gnomAD compares: African/African-American, 0.45%; 1 homozygote.

Submissions (5):

PreventionGenetics, part of Exact Sciences
Classification: Likely benign for GLIS3-related condition. Last evaluated: 2026-02-05. Review status: criteria provided, single submitter. Criteria: ACMG Guidelines, 2015. Collection method: clinical testing. Allele origin: germline.
Comment: This variant is classified as likely benign based on ACMG/AMP sequence variant interpretation guidelines (Richards et al. 2015 PMID: 25741868, with internal and published modifications).

Labcorp Genetics (formerly Invitae), Labcorp
Classification: Likely benign. Last evaluated: 2025-12-07. Review status: criteria provided, single submitter. Criteria: Invitae Variant Classification Sherloc (09022015). Collection method: clinical testing. Allele origin: germline.

GeneDx
Classification: Uncertain significance. Last evaluated: 2024-07-10. Review status: criteria provided, single submitter. Criteria: GeneDx Variant Classification Process June 2021. Collection method: clinical testing. Allele origin: germline. Affected: yes.
Comment: In silico analysis supports that this missense variant has a deleterious effect on protein structure/function; Has not been previously published as pathogenic or benign to our knowledge

New York Genome Center
Classification: Uncertain significance for Neonatal diabetes mellitus with congenital hypothyroidism. Last evaluated: 2022-03-30. Review status: criteria provided, single submitter. Criteria: NYGC Assertion Criteria 2020. Collection method: clinical testing. Allele origin: germline. Observed: 2 heterozygotes. Clinical features observed: Diabetes mellitus (HP:0000819), Type 2 diabetes mellitus (HP:0005978), Hyperlipidemia (HP:0003077), Hepatic steatosis (HP:0001397).

Illumina Laboratory Services, Illumina
Classification: Likely benign for Neonatal diabetes mellitus with congenital hypothyroidism. Last evaluated: 2018-01-13. Review status: criteria provided, single submitter. Criteria: ICSL Variant Classification Criteria 13 December 2019. Collection method: clinical testing. Allele origin: germline.
Comment: This variant was observed in the ICSL laboratory as part of a predisposition screen in an ostensibly healthy population. It had not been previously curated by ICSL or reported in the Human Gene Mutation Database (HGMD: prior to June 1st, 2018), and was therefore a candidate for classification through an automated scoring system. Utilizing variant allele frequency, disease prevalence and penetrance estimates, and inheritance mode, an automated score was calculated to assess if this variant is too frequent to cause the disease. Based on the score and internal cut-off values, a variant classified as likely benign is not then subjected to further curation. The score for this variant resulted in a classification of likely benign for this disease.

NM_001042413.2(GLIS3):c.496C>G (p.Pro166Ala)

Gene: GLIS3 (GLIS family zinc finger 3; minus strand). Cytogenetic location: 9p24.2.
Variant type: single nucleotide variant.
Coding change: c.496C>G on transcript NM_001042413.2 (MANE Select); coding-DNA position 496, C replaced by G.
Protein change: p.Pro166Ala; replaces proline 166 with alanine.
Molecular consequence: missense variant.
Genome position (GRCh38, 1-based): chr9:4,125,834, G>C on the plus strand (C>G on the coding strand, the complement: GLIS3 is on the minus strand). VCF-style: chr9-4125834-G-C. GRCh37 (hg19) VCF-style: chr9-4125834-G-C.
Other names: c.31C>G, p.Pro11Ala (NM_152629.4); short protein forms P166A, P11A.
Identifiers: ClinVar variation 366992 (VCV000366992.18), dbSNP rs141467694, ClinGen allele CA4968520.